The following is an entry in ClinVar:

ClinVar aggregate classification (germline): Benign/Likely benign. Review status: criteria provided, multiple submitters, no conflicts (2 of 4 stars). 4 submissions from 4 submitters: Benign (1); Likely benign (2). 1 of the submissions does not count toward it. Last evaluated 2026-02-01.

Conditions:
TRPS1-related disorder. Also called: TRPS1-related condition.
Trichorhinophalangeal dysplasia type I (TRPS1). Also called: TRICHORHINOPHALANGEAL SYNDROME, TYPE I; TRPS I. Identifiers: Orphanet 77258, MedGen C0432233, MONDO:0008596, OMIM 190350.
Trichorhinophalangeal syndrome, type III (TRPS3). Also called: SUGIO-KAJII SYNDROME. Identifiers: Orphanet 77258, MedGen C1860823, OMIM 190351, MONDO:0008597.

Allele frequency attached by ClinVar (database versions not stated): 1000 Genomes Project 30x 0.00016; 1000 Genomes Project 0.00020; gnomAD exomes 0.00020; ExAC 0.00030; gnomAD 0.00032 and 0.00034; TOPMed 0.00032; ESP Exome Variant Server 0.00049.
gnomAD v4.1: 386 of 1,612,006 alleles (0.024%); highest among the groups gnomAD compares: Non-Finnish European, 0.0054%; 2 homozygotes.

Submissions (4):

Labcorp Genetics (formerly Invitae), Labcorp
Classification: Benign for Trichorhinophalangeal syndrome, type III; Trichorhinophalangeal dysplasia type I. Last evaluated: 2026-02-01. Review status: criteria provided, single submitter. Criteria: Invitae Variant Classification Sherloc (09022015). Collection method: clinical testing. Allele origin: germline.

Blueprint Genetics
Classification: Likely benign. Last evaluated: 2024-10-30. Review status: criteria provided, single submitter. Criteria: ACMG Guidelines, 2015. Collection method: clinical testing. Allele origin: germline.

CeGaT Center for Human Genetics Tuebingen
Classification: Likely benign. Last evaluated: 2023-09-01. Review status: criteria provided, single submitter. Criteria: CeGaT Center For Human Genetics Tuebingen Variant Classification Criteria Version 2. Collection method: clinical testing. Allele origin: germline. Affected: yes. Observed: 2 variant alleles.
Comment: TRPS1: BP4, BS2

PreventionGenetics, part of Exact Sciences
Classification: Benign for TRPS1-related condition. Last evaluated: 2020-01-13. Review status: no assertion criteria provided. Collection method: clinical testing. Allele origin: germline. Not counted in ClinVar's aggregate classification.
Comment: This variant is classified as benign based on ACMG/AMP sequence variant interpretation guidelines (Richards et al. 2015 PMID: 25741868, with internal and published modifications).

NM_014112.5(TRPS1):c.3015C>G (p.His1005Gln)

Gene: TRPS1 (transcriptional repressor GATA binding 1; minus strand). Cytogenetic location: 8q23.3.
Variant type: single nucleotide variant.
Coding change: c.3015C>G on transcript NM_014112.5 (MANE Select); coding-DNA position 3015, C replaced by G.
Protein change: p.His1005Gln; replaces histidine 1005 with glutamine.
Molecular consequence: missense variant.
Genome position (GRCh38, 1-based): chr8:115,414,893, G>C on the plus strand (C>G on the coding strand, the complement: TRPS1 is on the minus strand). VCF-style: chr8-115414893-G-C. GRCh37 (hg19) VCF-style: chr8-116427121-G-C.
Other names: c.2988C>G, p.His996Gln (NM_001282902.3); c.2994C>G, p.His998Gln (NM_001282903.3); c.2976C>G, p.His992Gln (NM_001330599.2); c.3015C>G (NM_014112.4); short protein forms H1005Q, H992Q, H996Q, H998Q.
Identifiers: ClinVar variation 361608 (VCV000361608.35), dbSNP rs199839411, ClinGen allele CA4851532.